The following is an entry in ClinVar:

ClinVar aggregate classification (germline): Likely benign (0 of 4 stars; one submission).

Conditions:
PHIP-related disorder. Also called: PHIP-related disorders; PHIP-related condition.

Allele frequency attached by ClinVar (database versions not stated): gnomAD exomes 0.00001; gnomAD 0.00005.

Submission:

PreventionGenetics, part of Exact Sciences
Classification: Likely benign for PHIP-related condition. Last evaluated: 2019-07-09. Review status: no assertion criteria provided. Collection method: clinical testing. Allele origin: germline.
Comment: This variant is classified as likely benign based on ACMG/AMP sequence variant interpretation guidelines (Richards et al. 2015 PMID: 25741868, with internal and published modifications).

NM_017934.7(PHIP):c.1632G>A (p.Gly544=)

Gene: PHIP (PHIP subunit of CUL4-Ring ligase complex; minus strand). Cytogenetic location: 6q14.1.
Variant type: single nucleotide variant.
Coding change: c.1632G>A on transcript NM_017934.7 (MANE Select); coding-DNA position 1632, G replaced by A.
Protein change: p.Gly544=; no amino-acid change (glycine 544 retained).
Molecular consequence: synonymous variant.
Genome position (GRCh38, 1-based): chr6:79,003,751, C>T on the plus strand (G>A on the coding strand, the complement: PHIP is on the minus strand). VCF-style: chr6-79003751-C-T. GRCh37 (hg19) VCF-style: chr6-79713468-C-T.
Identifiers: ClinVar variation 3049881 (VCV003049881.2), dbSNP rs1264616788, ClinGen allele CA451008278.